The following is an entry in ClinVar:

NM_001184880.2(PCDH19):c.2136C>T (p.Thr712=)

Gene: PCDH19 (protocadherin 19; minus strand). Cytogenetic location: Xq22.1.
Variant type: single nucleotide variant.
Coding change: c.2136C>T on transcript NM_001184880.2 (MANE Select); coding-DNA position 2136, C replaced by T.
Protein change: p.Thr712=; no amino-acid change (threonine 712 retained).
Molecular consequence: synonymous variant.
Genome position (GRCh38, 1-based): chrX:100,406,462, G>A on the plus strand (C>T on the coding strand, the complement: PCDH19 is on the minus strand). VCF-style: chrX-100406462-G-A. GRCh37 (hg19) VCF-style: chrX-99661460-G-A.
Other names: c.2136C>T, p.Thr712= (NM_001105243.2, NM_020766.3).
Identifiers: ClinVar variation 1311909 (VCV001311909.6), dbSNP rs950694232, ClinGen allele CA333826055.
Genomic context (GRCh38, chrX:100,406,462, plus strand): 5'-ATAAACACACCTTATTCATCCAAGACAAAGAAAGAAAACTTGGCTTTACCTGCAGTTGTA[G>A]GTCCGGATCTCTTTGTTGTCTCGCTTGCACTTGATTGCCACGAAGATCATAGTTACAAAG-3'
Protein context (NP_001171809.1, residues 702-722): KCKRDNKEIR[Thr712=]YNCSNCLTIT

ClinVar aggregate classification (germline): Conflicting classifications of pathogenicity. Review status: criteria provided, conflicting classifications (1 of 4 stars). 2 submissions from 2 submitters: Uncertain significance (1); Likely benign (1). Last evaluated 2023-02-08.

Conditions:
Developmental and epileptic encephalopathy, 9 (DEE9). Also called: EPILEPSY, FEMALE-RESTRICTED, WITH MENTAL RETARDATION; JUBERG-HELLMAN SYNDROME; PCDH19-Related X-Linked Female-Limited Epilepsy with Mental Retardation; Early infantile epileptic encephalopathy 9. Identifiers: Orphanet 101039, Orphanet 2076, MedGen C1848137, MONDO:0010246, OMIM 300088. Disease mechanism: loss of function.

Allele frequency attached by ClinVar (database versions not stated): gnomAD exomes 0.00001; TOPMed 0.00001.
gnomAD v4.1: 8 of 1,202,550 alleles (0.00067%); highest among the groups gnomAD compares: Non-Finnish European, 0.00079%; no homozygotes.

Submissions (2):

Labcorp Genetics (formerly Invitae), Labcorp
Classification: Likely benign for Developmental and epileptic encephalopathy, 9. Last evaluated: 2023-02-08. Review status: criteria provided, single submitter. Criteria: Invitae Variant Classification Sherloc (09022015). Collection method: clinical testing. Allele origin: germline.

GeneDx
Classification: Uncertain significance. Last evaluated: 2022-06-23. Review status: criteria provided, single submitter. Criteria: GeneDx Variant Classification Process June 2021. Collection method: clinical testing. Allele origin: germline. Affected: yes.
Comment: Not observed in large population cohorts (gnomAD); In silico analysis supports that this variant does not alter splicing; Has not been previously published as pathogenic or benign to our knowledge